The following is an entry in ClinVar:

ClinVar aggregate classification (germline): Uncertain significance (1 of 4 stars; one submission).

Conditions:
Congenital myasthenic syndrome 8. Also called: Myasthenic syndrome, congenital, 8, with pre- and postsynaptic defects; MYASTHENIC SYNDROME, CONGENITAL, DUE TO AGRIN DEFICIENCY. Identifiers: Orphanet 590, MedGen C3808739, MONDO:0014052, OMIM 615120.

gnomAD v4.1: 1 of 1,609,966 alleles (0.000062%); highest among the groups gnomAD compares: Admixed American, 0.0017%; no homozygotes.

Submission:

Labcorp Genetics (formerly Invitae), Labcorp
Classification: Uncertain significance for Congenital myasthenic syndrome 8. Last evaluated: 2022-04-07. Review status: criteria provided, single submitter. Criteria: Invitae Variant Classification Sherloc (09022015). Collection method: clinical testing. Allele origin: germline.
Comment: This sequence change replaces glycine, which is neutral and non-polar, with tryptophan, which is neutral and slightly polar, at codon 470 of the AGRN protein (p.Gly470Trp). This variant is not present in population databases (gnomAD no frequency). In summary, the available evidence is currently insufficient to determine the role of this variant in disease. Therefore, it has been classified as a Variant of Uncertain Significance. Algorithms developed to predict the effect of missense changes on protein structure and function are either unavailable or do not agree on the potential impact of this missense change (SIFT: "Deleterious"; PolyPhen-2: "Probably Damaging"; Align-GVGD: "Class C0"). This variant has not been reported in the literature in individuals affected with AGRN-related conditions.

NM_198576.4(AGRN):c.1408G>T (p.Gly470Trp)

Gene: AGRN (agrin; plus strand). Cytogenetic location: 1p36.33.
Variant type: single nucleotide variant.
Coding change: c.1408G>T on transcript NM_198576.4 (MANE Select); coding-DNA position 1408, G replaced by T.
Protein change: p.Gly470Trp; replaces glycine 470 with tryptophan.
Molecular consequence: missense variant.
Genome position (GRCh38, 1-based): chr1:1,043,262, G>T. VCF-style: chr1-1043262-G-T. GRCh37 (hg19) VCF-style: chr1-978642-G-T.
Other names: c.1408G>T, p.Gly470Trp (NM_001305275.2); c.1093G>T, p.Gly365Trp (NM_001364727.2); short protein forms G470W, G365W.
Identifiers: ClinVar variation 2195079 (VCV002195079.4), dbSNP rs199563268, ClinGen allele CA337830314.
Genomic context (GRCh38, chr1:1,043,262, plus strand): 5'-GGCTTGTGGGACCACTGAGCCCCTGTGTCCTTCCCAGACCAGGCCCCGTCCCCATGCCTC[G>T]GGGTGCAGTGTGCATTTGGGGCGACGTGTGCTGTGAAGAACGGGCAGGCAGCGTGTGAAT-3'
Protein context (NP_940978.2, residues 460-480): PCDQAPSPCL[Gly470Trp]VQCAFGATCA